The following is an entry in ClinVar:

NM_004006.3(DMD):c.9457T>A (p.Cys3153Ser)

Gene: DMD (dystrophin; minus strand). Cytogenetic location: Xp21.2.
Variant type: single nucleotide variant.
Coding change: c.9457T>A on transcript NM_004006.3 (MANE Select); coding-DNA position 9457, T replaced by A.
Protein change: p.Cys3153Ser; replaces cysteine 3153 with serine.
Molecular consequence: missense variant.
Genome position (GRCh38, 1-based): chrX:31,209,604, A>T on the plus strand (T>A on the coding strand, the complement: DMD is on the minus strand). VCF-style: chrX-31209604-A-T. GRCh37 (hg19) VCF-style: chrX-31227721-A-T.
Other names: c.9433T>A, p.Cys3145Ser (NM_000109.4); c.9445T>A, p.Cys3149Ser (NM_004009.3); c.9088T>A, p.Cys3030Ser (NM_004010.3); c.5434T>A, p.Cys1812Ser (NM_004011.4); c.5425T>A, p.Cys1809Ser (NM_004012.4); c.2077T>A, p.Cys693Ser (NM_004013.3, NM_004020.4, NM_004021.3 and 2 more transcripts); c.1270T>A, p.Cys424Ser (NM_004014.3); c.253T>A, p.Cys85Ser (NM_004015.3, NM_004016.3, NM_004017.3 and 2 more transcripts); short protein forms C1809S, C1812S, C424S, C693S, C3149S, C85S, C3030S, C3145S.
Identifiers: ClinVar variation 3634792 (VCV003634792.2).

ClinVar aggregate classification (germline): Uncertain significance (1 of 4 stars; one submission).

Conditions:
Duchenne muscular dystrophy (DMD). Also called: MUSCULAR DYSTROPHY, PSEUDOHYPERTROPHIC PROGRESSIVE, DUCHENNE TYPE; Duchenne Muscular Dystrophy (DMD). Identifiers: Orphanet 98896, MedGen C0013264, MONDO:0010679, OMIM 310200.

gnomAD v4.1: 1 of 1,211,765 alleles (0.000083%); highest among the groups gnomAD compares: Non-Finnish European, 0.00011%; no homozygotes.

Submission:

Labcorp Genetics (formerly Invitae), Labcorp
Classification: Uncertain significance for Duchenne muscular dystrophy. Last evaluated: 2024-12-15. Review status: criteria provided, single submitter. Criteria: Invitae Variant Classification Sherloc (09022015). Collection method: clinical testing. Allele origin: germline.
Comment: This sequence change replaces cysteine, which is neutral and slightly polar, with serine, which is neutral and polar, at codon 3153 of the DMD protein (p.Cys3153Ser). This variant is not present in population databases (gnomAD no frequency). This variant has not been reported in the literature in individuals affected with DMD-related conditions. Invitae Evidence Modeling of protein sequence and biophysical properties (such as structural, functional, and spatial information, amino acid conservation, physicochemical variation, residue mobility, and thermodynamic stability) indicates that this missense variant is not expected to disrupt DMD protein function with a negative predictive value of 95%. In summary, the available evidence is currently insufficient to determine the role of this variant in disease. Therefore, it has been classified as a Variant of Uncertain Significance.